The following is an entry in ClinVar:

ClinVar aggregate classification (germline): Pathogenic (1 of 4 stars; one submission).

Conditions:
Charcot-Marie-Tooth disease axonal type 2P. Also called: CHARCOT-MARIE-TOOTH NEUROPATHY, TYPE 2P; Charcot-Marie-Tooth Neuropathy Type 2G; CHARCOT-MARIE-TOOTH DISEASE, AXONAL, TYPE 2G; CMT 2G. Identifiers: Orphanet 300319, Orphanet 99941, MedGen C3280797, MONDO:0013753, OMIM 614436.

Allele frequency attached by ClinVar (database versions not stated): gnomAD exomes below 0.00001.
gnomAD v4.1: 1 of 1,612,212 alleles (0.000062%); highest among the groups gnomAD compares: Non-Finnish European, 0.000085%; no homozygotes.

Submission:

Labcorp Genetics (formerly Invitae), Labcorp
Classification: Pathogenic for Charcot-Marie-Tooth disease axonal type 2P. Last evaluated: 2021-04-19. Review status: criteria provided, single submitter. Criteria: Invitae Variant Classification Sherloc (09022015). Collection method: clinical testing. Allele origin: germline.
Comment: This sequence change creates a premature translational stop signal (p.Gln128*) in the LRSAM1 gene. It is expected to result in an absent or disrupted protein product. Loss-of-function variants in LRSAM1 are known to be pathogenic (PMID: 20865121, 33414056). This variant is not present in population databases (ExAC no frequency). This variant has not been reported in the literature in individuals with LRSAM1-related conditions. ClinVar contains an entry for this variant (Variation ID: 1000445). For these reasons, this variant has been classified as Pathogenic.

Literature cited by the submitters: PubMed 20865121; PubMed 33414056.

NM_001005373.4(LRSAM1):c.382C>T (p.Gln128Ter)

Gene: LRSAM1 (leucine rich repeat and sterile alpha motif containing 1; plus strand). Cytogenetic location: 9q33.3.
Variant type: single nucleotide variant.
Coding change: c.382C>T on transcript NM_001005373.4 (MANE Select); coding-DNA position 382, C replaced by T.
Protein change: p.Gln128Ter; replaces glutamine 128 with a stop codon.
Molecular consequence: nonsense. On other transcripts: 5 prime UTR variant (1), non-coding transcript variant (2).
Genome position (GRCh38, 1-based): chr9:127,461,233, C>T. VCF-style: chr9-127461233-C-T. GRCh37 (hg19) VCF-style: chr9-130223512-C-T.
Other names: c.382C>T, p.Gln128Ter (NM_001005374.4, NM_001190723.3, NM_001384142.1 and 2 more transcripts); c.-403C>T (NM_001384144.1); short protein forms Q128*.
Identifiers: ClinVar variation 1000445 (VCV001000445.6), dbSNP rs1168470052, ClinGen allele CA374968104.
Genomic context (GRCh38, chr9:127,461,233, plus strand): 5'-GTCTTAAACGTGGAAAGGAATCAACTGATGCAGCTCCCACGTTCCATTGGGAACCTGACC[C>T]AGCTCCAGACTCTCAATGTTAAAGGTAGGGACCAAGAAGCCGTGTCCGTGTGACCCTCCA-3'